The following is an entry in ClinVar:

NM_001042492.3(NF1):c.6971A>G (p.Gln2324Arg)

Gene: NF1 (neurofibromin 1; plus strand). Cytogenetic location: 17q11.2.
Variant type: single nucleotide variant.
Coding change: c.6971A>G on transcript NM_001042492.3 (MANE Select); coding-DNA position 6971, A replaced by G.
Protein change: p.Gln2324Arg; replaces glutamine 2324 with arginine.
Molecular consequence: missense variant.
Genome position (GRCh38, 1-based): chr17:31,340,554, A>G. VCF-style: chr17-31340554-A-G. GRCh37 (hg19) VCF-style: chr17-29667572-A-G.
Other names: c.6908A>G, p.Gln2303Arg (NM_000267.4); short protein forms Q2324R, Q2303R.
Identifiers: ClinVar variation 2830045 (VCV002830045.3), dbSNP rs2151561654, ClinGen allele CA399014942.
Genomic context (GRCh38, chr17:31,340,554, plus strand): 5'-TTCTTTGCCAGGACTCGCCTCTGCACAAAGCCCTCTTTTGGGTAGCTGTGGCTGTGCTGC[A>G]GCTTGATGAGGTCAACTTGTATTCAGCAGGTACCGCACTTCTTGAACAAAACCTGCATAC-3'
Protein context (NP_001035957.1, residues 2314-2334): ALFWVAVAVL[Gln2324Arg]LDEVNLYSAG

ClinVar aggregate classification (germline): Uncertain significance (1 of 4 stars; one submission).

Conditions:
Neurofibromatosis, type 1 (NF1). Also called: VON RECKLINGHAUSEN DISEASE; NEUROFIBROMATOSIS, TYPE I, SOMATIC; Neurofibromatosis, type I; Peripheral type neurofibromatosis. Identifiers: Orphanet 636, MedGen C0027831, MONDO:0018975, OMIM 162200. Disease mechanism: loss of function.

Submission:

Labcorp Genetics (formerly Invitae), Labcorp
Classification: Uncertain significance for Neurofibromatosis, type 1. Last evaluated: 2023-01-19. Review status: criteria provided, single submitter. Criteria: Invitae Variant Classification Sherloc (09022015). Collection method: clinical testing. Allele origin: germline.
Comment: In summary, the available evidence is currently insufficient to determine the role of this variant in disease. Therefore, it has been classified as a Variant of Uncertain Significance. Advanced modeling of protein sequence and biophysical properties (such as structural, functional, and spatial information, amino acid conservation, physicochemical variation, residue mobility, and thermodynamic stability) performed at Invitae indicates that this missense variant is expected to disrupt NF1 protein function. This variant has not been reported in the literature in individuals affected with NF1-related conditions. This variant is not present in population databases (gnomAD no frequency). This sequence change replaces glutamine, which is neutral and polar, with arginine, which is basic and polar, at codon 2303 of the NF1 protein (p.Gln2303Arg).